The following is an entry in ClinVar:

NM_001378454.1(ALMS1):c.3464A>C (p.His1155Pro)

Gene: ALMS1 (ALMS1 centrosome and basal body associated protein; plus strand). Cytogenetic location: 2p13.1.
Variant type: single nucleotide variant.
Coding change: c.3464A>C on transcript NM_001378454.1 (MANE Select); coding-DNA position 3464, A replaced by C.
Protein change: p.His1155Pro; replaces histidine 1155 with proline.
Molecular consequence: missense variant.
Genome position (GRCh38, 1-based): chr2:73,449,991, A>C. VCF-style: chr2-73449991-A-C. GRCh37 (hg19) VCF-style: chr2-73677118-A-C.
Other names: c.3467A>C, p.His1156Pro (NM_015120.4); short protein forms H1156P, H1155P.
Identifiers: ClinVar variation 529374 (VCV000529374.13), dbSNP rs553406974, ClinGen allele CA1713530.
Genomic context (GRCh38, chr2:73,449,991, plus strand): 5'-GCACACCAACTGTAACCTCAACTTCCTACTCACAACATAGAGAAAAGCCCAGCATTTTCC[A>C]CCAGCAGGCCTTGCCAGGTACTCATATACCTGAAGAGGCTCAGAAAGTTTCAGCTGTTAC-3'
Protein context (NP_001365383.1, residues 1145-1165): SQHREKPSIF[His1155Pro]QQALPGTHIP

ClinVar aggregate classification (germline): Conflicting classifications of pathogenicity. Review status: criteria provided, conflicting classifications (1 of 4 stars). 6 submissions from 6 submitters: Uncertain significance (4); Likely benign (1). 1 of the submissions does not count toward it. Last evaluated 2025-04-22.

Conditions:
Monogenic diabetes. Identifiers: Orphanet 183625, MedGen C3888631, MONDO:0015967.
Alstrom syndrome (ALMS). Identifiers: Orphanet 64, MedGen C0268425, MONDO:0008763, OMIM 203800.
Cardiovascular phenotype. Identifiers: MedGen CN230736.

Allele frequency attached by ClinVar (database versions not stated): ExAC 0.00002; gnomAD exomes 0.00003 and 0.00001; gnomAD 0.00004 and 0.00005; TOPMed 0.00006; 1000 Genomes Project 30x 0.00016; 1000 Genomes Project 0.00020.
gnomAD v4.1: 22 of 1,614,034 alleles (0.0014%); highest among the groups gnomAD compares: African/African-American, 0.028%; no homozygotes.

Submissions (6):

GeneDx
Classification: Uncertain significance. Last evaluated: 2025-04-22. Review status: criteria provided, single submitter. Criteria: GeneDx Variant Classification Process June 2021. Collection method: clinical testing. Allele origin: germline.
Comment: In silico analysis supports that this missense variant does not alter protein structure/function; Has not been previously published as pathogenic or benign to our knowledge

Ambry Genetics
Classification: Uncertain significance for Cardiovascular phenotype. Last evaluated: 2024-08-13. Review status: criteria provided, single submitter. Criteria: Ambry Variant Classification Scheme 2023. Collection method: clinical testing. Allele origin: germline.
Comment: The p.H1156P variant (also known as c.3467A>C), located in coding exon 8 of the ALMS1 gene, results from an A to C substitution at nucleotide position 3467. The histidine at codon 1156 is replaced by proline, an amino acid with similar properties. This amino acid position is poorly conserved in available vertebrate species. In addition, this alteration is predicted to be tolerated by in silico analysis. Based on the available evidence, the clinical significance of this variant remains unclear.

Labcorp Genetics (formerly Invitae), Labcorp
Classification: Uncertain significance for Alstrom syndrome. Last evaluated: 2022-10-05. Review status: criteria provided, single submitter. Criteria: Invitae Variant Classification Sherloc (09022015). Collection method: clinical testing. Allele origin: germline.
Comment: This sequence change replaces histidine, which is basic and polar, with proline, which is neutral and non-polar, at codon 1156 of the ALMS1 protein (p.His1156Pro). This variant is present in population databases (rs553406974, gnomAD 0.03%). This variant has not been reported in the literature in individuals affected with ALMS1-related conditions. ClinVar contains an entry for this variant (Variation ID: 529374). In summary, the available evidence is currently insufficient to determine the role of this variant in disease. Therefore, it has been classified as a Variant of Uncertain Significance.

Personalized Diabetes Medicine Program, University of Maryland School of Medicine
Classification: Likely benign for Monogenic diabetes. Last evaluated: 2018-01-05. Review status: criteria provided, single submitter. Criteria: ACMG Guidelines, 2015. Collection method: research. Allele origin: unknown. Observed: 1 variant allele, 1 heterozygote.
Comment: ACMG criteria: BP4 (8 predictors), BP1 (missense in gene with truncating cause disease)=likely benign

Clinical Genomics, Uppaluri K&H Personalized Medicine Clinic
Classification: Uncertain significance for Alstrom syndrome. Review status: criteria provided, single submitter. Criteria: K & H Uppaluri Personalized Medicine Clinic Variant Classification & Assertion Criteria_Updated V.1. Collection method: research. Allele origin: unknown. Inheritance: Autosomal recessive inheritance.
Comment: Potent mutations in ALMS1 are associated with a rare condition called Alstrom syndrome. It can cause excessive eating, insulin resistance. However, no evidence is found to ascertain the role of rs553406974 in Alstrom syndrome yet.

Natera, Inc.
Classification: Uncertain significance for Alstrom syndrome. Last evaluated: 2020-09-16. Review status: no assertion criteria provided. Collection method: clinical testing. Allele origin: germline. Not counted in ClinVar's aggregate classification.

Literature cited by the submitters: PubMed 34148947 (cited by Clinical Genomics, Uppaluri K&H Personalized Medicine Clinic); PubMed 25846608 (cited by Clinical Genomics, Uppaluri K&H Personalized Medicine Clinic); PubMed 30421101 (cited by Clinical Genomics, Uppaluri K&H Personalized Medicine Clinic); PubMed 33669459 (cited by Clinical Genomics, Uppaluri K&H Personalized Medicine Clinic).